The following is an entry in ClinVar:

NM_005475.3(SH2B3):c.65C>G (p.Ala22Gly)

Gene: SH2B3 (SH2B adaptor protein 3; plus strand). Cytogenetic location: 12q24.12.
Variant type: single nucleotide variant.
Coding change: c.65C>G on transcript NM_005475.3 (MANE Select); coding-DNA position 65, C replaced by G.
Protein change: p.Ala22Gly; replaces alanine 22 with glycine.
Molecular consequence: missense variant.
Genome position (GRCh38, 1-based): chr12:111,418,210, C>G. VCF-style: chr12-111418210-C-G. GRCh37 (hg19) VCF-style: chr12-111856014-C-G.
Other names: short protein forms A22G.
Identifiers: ClinVar variation 4842831 (VCV004842831.1).
Genomic context (GRCh38, chr12:111,418,210, plus strand): 5'-ACGGGCCTGCCCTGCAGCCCTCCTCGCCCTCTTCCGCGCCCTCAGCCTCCCCGGCGGCGG[C>G]CCCGCGGGGCTGGAGCGAGTTCTGTGAGTTGCACGCCGTAGCGGCGGCCCGGGAGCTGGC-3'
Protein context (NP_005466.1, residues 12-32): SSAPSASPAA[Ala22Gly]PRGWSEFCEL

ClinVar aggregate classification (germline): Uncertain significance (1 of 4 stars; one submission).

Conditions:
Inborn genetic diseases. Identifiers: MedGen C0950123, MeSH D030342.

Submission:

Ambry Genetics
Classification: Uncertain significance for Inborn genetic diseases. Last evaluated: 2026-01-13. Review status: criteria provided, single submitter. Criteria: Ambry Variant Classification Scheme 2023. Collection method: clinical testing. Allele origin: germline.
Comment: The p.A22G variant (also known as c.65C>G), located in coding exon 1 of the SH2B3 gene, results from a C to G substitution at nucleotide position 65. The alanine at codon 22 is replaced by glycine, an amino acid with similar properties. This amino acid position is conserved. In addition, this alteration is predicted to be tolerated by in silico analysis. Based on the available evidence, the clinical significance of this variant remains unclear.